The following is an entry in ClinVar:

NM_003611.3(OFD1):c.795G>A (p.Lys265=)

Gene: OFD1 (OFD1 centriole and centriolar satellite protein; plus strand). Cytogenetic location: Xp22.2.
Variant type: single nucleotide variant.
Coding change: c.795G>A on transcript NM_003611.3 (MANE Select); coding-DNA position 795, G replaced by A.
Protein change: p.Lys265=; no amino-acid change (lysine 265 retained).
Molecular consequence: synonymous variant.
Genome position (GRCh38, 1-based): chrX:13,746,920, G>A. VCF-style: chrX-13746920-G-A. GRCh37 (hg19) VCF-style: chrX-13765039-G-A.
Other names: c.795G>A, p.Lys265= (NM_001330209.2); c.375G>A, p.Lys125= (NM_001330210.2); c.795G>A (NM_003611.2).
Identifiers: ClinVar variation 1601293 (VCV001601293.12), dbSNP rs745443262, ClinGen allele CA10351686.

ClinVar aggregate classification (germline): Benign/Likely benign. Review status: criteria provided, multiple submitters, no conflicts (2 of 4 stars). 5 submissions from 5 submitters: Benign (1); Likely benign (4). Last evaluated 2026-01-07.

Conditions:
Joubert syndrome. Also called: JOUBERT-BOLTSHAUSER SYNDROME; Familial aplasia of the vermis. Identifiers: Orphanet 475, MedGen C5979921, MONDO:0018772.
Orofaciodigital syndrome I (OFD1). Also called: OFDS I; Papillon-Leage and Psaume Syndrome; Oral-Facial-Digital Syndrome Type I. Identifiers: Orphanet 2750, MedGen C1510460, MONDO:0010702, OMIM 311200.
Retinitis pigmentosa 23 (RP23). Identifiers: Orphanet 791, MedGen C1419610, MONDO:0010320, OMIM 300424.
Simpson-Golabi-Behmel syndrome type 2. Identifiers: Orphanet 79022, MedGen C1846175, MONDO:0010265, OMIM 300209.
Joubert syndrome 10 (JBTS10). Identifiers: Orphanet 2754, MedGen C2749019, MONDO:0010431, OMIM 300804.
Retinal dystrophy. Also called: Inherited retinal dystrophy. Identifiers: Orphanet 71862, MedGen C0854723, MeSH D058499, MONDO:0019118, HP:0000556.
OFD1-related disorder. Also called: OFD1-related condition.

Allele frequency attached by ClinVar (database versions not stated): gnomAD 0.00002; gnomAD exomes 0.00003 and 0.00011; TOPMed 0.00008; ExAC 0.00011; 1000 Genomes Project 30x 0.00021; 1000 Genomes Project 0.00026.
gnomAD v4.1: 38 of 1,209,689 alleles (0.0031%); highest among the groups gnomAD compares: East Asian, 0.065%; no homozygotes.

Submissions (5):

Labcorp Genetics (formerly Invitae), Labcorp
Classification: Benign for Orofaciodigital syndrome I; Joubert syndrome. Last evaluated: 2026-01-07. Review status: criteria provided, single submitter. Criteria: Invitae Variant Classification Sherloc (09022015). Collection method: clinical testing. Allele origin: germline.

PreventionGenetics, part of Exact Sciences
Classification: Likely benign for OFD1-related condition. Last evaluated: 2025-05-30. Review status: criteria provided, single submitter. Criteria: ACMG Guidelines, 2015. Collection method: clinical testing. Allele origin: germline.
Comment: This variant is classified as likely benign based on ACMG/AMP sequence variant interpretation guidelines (Richards et al. 2015 PMID: 25741868, with internal and published modifications).

Blueprint Genetics
Classification: Likely benign. Last evaluated: 2024-08-30. Review status: criteria provided, single submitter. Criteria: ACMG Guidelines, 2015. Collection method: clinical testing. Allele origin: germline.

Dept Of Ophthalmology, Nagoya University
Classification: Likely benign for Retinal dystrophy. Last evaluated: 2023-10-01. Review status: criteria provided, single submitter. Criteria: Submitter's publication. Collection method: research. Allele origin: germline. Affected: yes.

Fulgent Genetics
Classification: Likely benign for Simpson-Golabi-Behmel syndrome type 2; Retinitis pigmentosa 23; Joubert syndrome 10; Orofaciodigital syndrome I. Last evaluated: 2021-11-12. Review status: criteria provided, single submitter. Criteria: ACMG Guidelines, 2015. Collection method: clinical testing. Allele origin: unknown.